The following is an entry in ClinVar:

ClinVar aggregate classification (germline): Conflicting classifications of pathogenicity. Review status: criteria provided, conflicting classifications (1 of 4 stars). 3 submissions from 3 submitters: Uncertain significance (2); Likely benign (1). Last evaluated 2025-01-30.

Conditions:
Hereditary cancer-predisposing syndrome. Also called: Neoplastic Syndromes, Hereditary; Hereditary Cancer Syndrome; Tumor predisposition; Hereditary neoplastic syndrome. Identifiers: Orphanet 140162, MedGen C0027672, MeSH D009386, MONDO:0015356.
Ataxia-telangiectasia syndrome (AT). Also called: LOUIS-BAR SYNDROME; Cerebello-oculocutaneous telangiectasia; Immunodeficiency with ataxia telangiectasia; Ataxia-telangiectasia, complementation group D; AT, COMPLEMENTATION GROUP C; Ataxia-telangiectasia, complementation group E. Identifiers: Orphanet 100, MedGen C0004135, MONDO:0008840, OMIM 208900.

Allele frequency attached by ClinVar (database versions not stated): gnomAD exomes 0.00001.
gnomAD v4.1: 8 of 1,613,816 alleles (0.0005%); highest among the groups gnomAD compares: Non-Finnish European, 0.00068%; no homozygotes.

Submissions (3):

Ambry Genetics
Classification: Likely benign for Hereditary cancer-predisposing syndrome. Last evaluated: 2025-01-30. Review status: criteria provided, single submitter. Criteria: Ambry Variant Classification Scheme 2023. Collection method: clinical testing. Allele origin: germline.

Labcorp Genetics (formerly Invitae), Labcorp
Classification: Uncertain significance for Ataxia-telangiectasia syndrome. Last evaluated: 2022-11-04. Review status: criteria provided, single submitter. Criteria: Invitae Variant Classification Sherloc (09022015). Collection method: clinical testing. Allele origin: germline.
Comment: In summary, the available evidence is currently insufficient to determine the role of this variant in disease. Therefore, it has been classified as a Variant of Uncertain Significance. Algorithms developed to predict the effect of missense changes on protein structure and function output the following: SIFT: "Tolerated"; PolyPhen-2: "Benign"; Align-GVGD: "Class C0". The arginine amino acid residue is found in multiple mammalian species, which suggests that this missense change does not adversely affect protein function. ClinVar contains an entry for this variant (Variation ID: 481219). This variant has not been reported in the literature in individuals affected with ATM-related conditions. This variant is not present in population databases (gnomAD no frequency). This sequence change replaces glutamine, which is neutral and polar, with arginine, which is basic and polar, at codon 2684 of the ATM protein (p.Gln2684Arg).

Color Diagnostics, LLC DBA Color Health
Classification: Uncertain significance for Hereditary cancer-predisposing syndrome. Last evaluated: 2019-04-10. Review status: criteria provided, single submitter. Criteria: ACMG Guidelines, 2015. Collection method: clinical testing. Allele origin: germline.

NM_000051.4(ATM):c.8051A>G (p.Gln2684Arg)

Genes: ATM (ATM serine/threonine kinase; plus strand), C11orf65 (chromosome 11 open reading frame 65; minus strand). Cytogenetic location: 11q22.3.
Variant type: single nucleotide variant.
Coding change: c.8051A>G on transcript NM_000051.4 (MANE Select); coding-DNA position 8051, A replaced by G.
Protein change: p.Gln2684Arg; replaces glutamine 2684 with arginine.
Molecular consequence: missense variant. On other transcripts: intron variant (2).
Genome position (GRCh38, 1-based): chr11:108,335,009, A>G. VCF-style: chr11-108335009-A-G. GRCh37 (hg19) VCF-style: chr11-108205736-A-G.
Other names: c.8051A>G, p.Gln2684Arg (NM_001351834.2); c.641-25938T>C (NM_001330368.2); c.*38+211T>C (NM_001351110.2); short protein forms Q2684R.
Identifiers: ClinVar variation 481219 (VCV000481219.14), dbSNP rs1555127107, ClinGen allele CA382561927.